The following is an entry in ClinVar:

ClinVar aggregate classification (germline): Likely pathogenic (1 of 4 stars; one submission).

Conditions:
COG4-congenital disorder of glycosylation. Also called: COG4-CDG; CONGENITAL DISORDER OF GLYCOSYLATION, TYPE IIj; CDG IIj. Identifiers: Orphanet 263501, MedGen C4303552, MONDO:0013281, OMIM 613489.

Allele frequency attached by ClinVar (database versions not stated): gnomAD exomes below 0.00001.

Submission:

Labcorp Genetics (formerly Invitae), Labcorp
Classification: Likely pathogenic for COG4-congenital disorder of glycosylation. Last evaluated: 2019-10-30. Review status: criteria provided, single submitter. Criteria: Invitae Variant Classification Sherloc (09022015). Collection method: clinical testing. Allele origin: germline.
Comment: This sequence change affects a donor splice site in intron 3 of the COG4 gene. It is expected to disrupt RNA splicing and likely results in an absent or disrupted protein product. This variant is not present in population databases (ExAC no frequency). This variant has not been reported in the literature in individuals with COG4-related conditions. Donor and acceptor splice site variants typically lead to a loss of protein function (PMID: 16199547), and loss-of-function variants in COG4 are known to be pathogenic (PMID: 21185756). In summary, the currently available evidence indicates that the variant is pathogenic, but additional data are needed to prove that conclusively. Therefore, this variant has been classified as Likely Pathogenic.

Literature cited by the submitters: PubMed 16199547; PubMed 21185756.

NM_015386.3(COG4):c.369+1_369+2del

Gene: COG4 (component of oligomeric golgi complex 4; minus strand). Cytogenetic location: 16q22.1.
Variant type: Deletion.
Coding change: c.369+1_369+2del on transcript NM_015386.3 (MANE Select); the canonical splice donor site of the intron after coding-DNA position 369, 2 bases deleted (GT; older notation c.369+1_369+2delGT).
Molecular consequence: splice donor variant.
Genome position (GRCh38, 1-based): chr16:70,517,624-70,517,625, AC deleted on the plus strand (GT on the coding strand, the reverse complement: COG4 is on the minus strand). VCF-style (leftmost placement, unchanged base first): chr16-70517623-TAC-T. GRCh37 (hg19) VCF-style: chr16-70551526-TAC-T.
Other names: c.357+1_357+2del (NM_001195139.2); c.-231+1_-231+2del (NM_001365426.1).
Identifiers: ClinVar variation 971970 (VCV000971970.7), dbSNP rs1311924956, ClinGen allele CA623228136.